The following is an entry in ClinVar:

ClinVar aggregate classification (germline): Uncertain significance. Review status: criteria provided, multiple submitters, no conflicts (2 of 4 stars). 2 submissions from 2 submitters: Uncertain significance (2). Last evaluated 2025-12-10.

Conditions:
Inborn genetic diseases. Identifiers: MedGen C0950123, MeSH D030342.
Baller-Gerold syndrome (BGS). Also called: CRANIOSYNOSTOSIS WITH RADIAL DEFECTS. Identifiers: Orphanet 1225, MedGen C0265308, MONDO:0009039, OMIM 218600.

Submissions (2):

Ambry Genetics
Classification: Uncertain significance for Inborn genetic diseases. Last evaluated: 2025-12-10. Review status: criteria provided, single submitter. Criteria: Ambry Variant Classification Scheme 2023. Collection method: clinical testing. Allele origin: germline.
Comment: The p.G1166V variant (also known as c.3497G>T), located in coding exon 20 of the RECQL4 gene, results from a G to T substitution at nucleotide position 3497. The glycine at codon 1166 is replaced by valine, an amino acid with dissimilar properties. This amino acid position is conserved. In addition, this alteration is predicted to be deleterious by in silico analysis. Based on the available evidence, the clinical significance of this variant remains unclear.

Labcorp Genetics (formerly Invitae), Labcorp
Classification: Uncertain significance for Baller-Gerold syndrome. Last evaluated: 2020-08-25. Review status: criteria provided, single submitter. Criteria: Invitae Variant Classification Sherloc (09022015). Collection method: clinical testing. Allele origin: germline.
Comment: This variant is not present in population databases (ExAC no frequency). This sequence change replaces glycine with valine at codon 1166 of the RECQL4 protein (p.Gly1166Val). The glycine residue is highly conserved and there is a moderate physicochemical difference between glycine and valine. This variant has not been reported in the literature in individuals with RECQL4-related conditions. In summary, the available evidence is currently insufficient to determine the role of this variant in disease. Therefore, it has been classified as a Variant of Uncertain Significance. Experimental studies and prediction algorithms are not available or were not evaluated, and the functional significance of this variant is currently unknown.

NM_004260.4(RECQL4):c.3497G>T (p.Gly1166Val)

Gene: RECQL4 (RecQ like helicase 4; minus strand). Cytogenetic location: 8q24.3.
Variant type: single nucleotide variant.
Coding change: c.3497G>T on transcript NM_004260.4 (MANE Select); coding-DNA position 3497, G replaced by T.
Protein change: p.Gly1166Val; replaces glycine 1166 with valine.
Molecular consequence: missense variant.
Genome position (GRCh38, 1-based): chr8:144,511,686, C>A on the plus strand (G>T on the coding strand, the complement: RECQL4 is on the minus strand). VCF-style: chr8-144511686-C-A. GRCh37 (hg19) VCF-style: chr8-145737069-C-A.
Other names: short protein forms G1166V.
Identifiers: ClinVar variation 857296 (VCV000857296.6), dbSNP rs1416975304, ClinGen allele CA372666437.